The following is an entry in ClinVar:

NM_001163809.2(WDR81):c.1297G>T (p.Glu433Ter)

Gene: WDR81 (WD repeat domain 81; plus strand). Cytogenetic location: 17p13.3.
Variant type: single nucleotide variant.
Coding change: c.1297G>T on transcript NM_001163809.2 (MANE Select); coding-DNA position 1297, G replaced by T.
Protein change: p.Glu433Ter; replaces glutamic acid 433 with a stop codon.
Molecular consequence: nonsense. On other transcripts: intron variant (3).
Genome position (GRCh38, 1-based): chr17:1,726,256, G>T. VCF-style: chr17-1726256-G-T. GRCh37 (hg19) VCF-style: chr17-1629550-G-T.
Other names: c.-123-1734G>T (NM_152348.4); c.59-4124G>T (NM_001163673.2); c.-15+1470G>T (NM_001163811.2); short protein forms E433*.
Identifiers: ClinVar variation 4849337 (VCV004849337.1).

ClinVar aggregate classification (germline): Likely pathogenic (1 of 4 stars; one submission).

Conditions:
Cerebellar ataxia, impaired intellectual development, and dysequilibrium syndrome 2. Also called: CEREBELLAR ATAXIA, MENTAL RETARDATION, AND DYSEQUILIBRIUM SYNDROME 2; CEREBELLAR ATAXIA AND MENTAL RETARDATION WITH OR WITHOUT QUADRUPEDAL LOCOMOTION 2; Cerebellar ataxia, intellectual disability, and dysequilibrium syndrome 2. Identifiers: Orphanet 1766, MedGen C2750234, MONDO:0012430, OMIM 610185.
Hydrocephalus, congenital, 3, with brain anomalies. Also called: HYDROCEPHALUS, NONSYNDROMIC, AUTOSOMAL RECESSIVE 3. Identifiers: MedGen C4747885, MONDO:0054794, OMIM 617967.

Submission:

First Genomix Gene Laboratory, Genetic Diagnostics Department
Classification: Likely pathogenic for Cerebellar ataxia, impaired intellectual development, and dysequilibrium syndrome 2; Hydrocephalus, congenital, 3, with brain anomalies. Last evaluated: 2025-07-09. Review status: criteria provided, single submitter. Criteria: ACMG Guidelines, 2015. Collection method: clinical testing. Allele origin: germline. Inheritance: Autosomal recessive inheritance. Affected: no. Observed: 1 variant allele.